The following is an entry in ClinVar:

ClinVar aggregate classification (germline): Uncertain significance. Review status: criteria provided, multiple submitters, no conflicts (2 of 4 stars). 2 submissions from 2 submitters: Uncertain significance (2). Last evaluated 2025-06-09.

Conditions:
SLC29A3-related disorder. Also called: SLC29A3-related condition.
H syndrome. Also called: Pigmented hypertrichosis and insulin-dependent diabetes mellitus; Histiocytosis with joint contractures and sensorineural deafness; HISTIOCYTOSIS AND LYMPHADENOPATHY WITH OR WITHOUT CUTANEOUS, CARDIAC, AND/OR ENDOCRINE FEATURES, JOINT CONTRACTURES, AND/OR DEAFNESS; HYPERPIGMENTATION, CUTANEOUS, WITH HYPERTRICHOSIS, HEPATOSPLENOMEGALY, HEART ANOMALIES, AND HYPOGONADISM WITH OR WITHOUT HEARING LOSS; PIGMENTED HYPERTRICHOSIS WITH INSULIN-DEPENDENT DIABETES MELLITUS; ROSAI-DORFMAN DISEASE, FAMILIAL. Identifiers: Orphanet 168569, MedGen C1864445, MONDO:0011273, OMIM 602782.

Allele frequency attached by ClinVar (database versions not stated): ExAC 0.00001.
gnomAD v4.1: 2 of 1,614,086 alleles (0.00012%); highest among the groups gnomAD compares: Admixed American, 0.0033%; no homozygotes.

Submissions (2):

PreventionGenetics, part of Exact Sciences
Classification: Uncertain significance for SLC29A3-related condition. Last evaluated: 2025-06-09. Review status: criteria provided, single submitter. Criteria: ACMG Guidelines, 2015. Collection method: clinical testing. Allele origin: germline.
Comment: The SLC29A3 c.1175T>C variant is predicted to result in the amino acid substitution p.Leu392Pro. To our knowledge, this variant has not been reported in the literature. This variant is reported in 0.0058% of alleles in individuals of Latino descent in gnomAD. At this time, the clinical significance of this variant is uncertain due to the absence of conclusive functional and genetic evidence.

Labcorp Genetics (formerly Invitae), Labcorp
Classification: Uncertain significance for H syndrome. Last evaluated: 2023-09-30. Review status: criteria provided, single submitter. Criteria: Invitae Variant Classification Sherloc (09022015). Collection method: clinical testing. Allele origin: germline.
Comment: In summary, the available evidence is currently insufficient to determine the role of this variant in disease. Therefore, it has been classified as a Variant of Uncertain Significance. Advanced modeling of protein sequence and biophysical properties (such as structural, functional, and spatial information, amino acid conservation, physicochemical variation, residue mobility, and thermodynamic stability) performed at Invitae indicates that this missense variant is not expected to disrupt SLC29A3 protein function. ClinVar contains an entry for this variant (Variation ID: 2194392). This variant has not been reported in the literature in individuals affected with SLC29A3-related conditions. This variant is present in population databases (rs777260346, gnomAD 0.006%). This sequence change replaces leucine, which is neutral and non-polar, with proline, which is neutral and non-polar, at codon 392 of the SLC29A3 protein (p.Leu392Pro).

NM_018344.6(SLC29A3):c.1175T>C (p.Leu392Pro)

Gene: SLC29A3 (solute carrier family 29 member 3; plus strand). Cytogenetic location: 10q22.1.
Variant type: single nucleotide variant.
Coding change: c.1175T>C on transcript NM_018344.6 (MANE Select); coding-DNA position 1175, T replaced by C.
Protein change: p.Leu392Pro; replaces leucine 392 with proline.
Molecular consequence: missense variant. On other transcripts: 3 prime UTR variant (1), non-coding transcript variant (2).
Genome position (GRCh38, 1-based): chr10:71,362,355, T>C. VCF-style: chr10-71362355-T-C. GRCh37 (hg19) VCF-style: chr10-73122112-T-C.
Other names: c.*404T>C (NM_001174098.2); c.941T>C, p.Leu314Pro (NM_001363518.2); c.1175T>C (NM_018344.5); short protein forms L314P, L392P.
Identifiers: ClinVar variation 2194392 (VCV002194392.3), dbSNP rs777260346, ClinGen allele CA5543139.